The following is an entry in ClinVar:

ClinVar aggregate classification (germline): Uncertain significance (1 of 4 stars; one submission).

Submission:

GeneDx
Classification: Uncertain significance. Last evaluated: 2023-10-27. Review status: criteria provided, single submitter. Criteria: GeneDx Variant Classification Process June 2021. Collection method: clinical testing. Allele origin: germline. Affected: yes.
Comment: Not observed at significant frequency in large population cohorts (gnomAD); In silico analysis supports that this missense variant has a deleterious effect on protein structure/function; Has not been previously published as pathogenic or benign to our knowledge

NM_015465.5(GEMIN5):c.614C>T (p.Pro205Leu)

Gene: GEMIN5 (gem nuclear organelle associated protein 5; minus strand). Cytogenetic location: 5q33.2.
Variant type: single nucleotide variant.
Coding change: c.614C>T on transcript NM_015465.5 (MANE Select); coding-DNA position 614, C replaced by T.
Protein change: p.Pro205Leu; replaces proline 205 with leucine.
Molecular consequence: missense variant.
Genome position (GRCh38, 1-based): chr5:154,932,146, G>A on the plus strand (C>T on the coding strand, the complement: GEMIN5 is on the minus strand). VCF-style: chr5-154932146-G-A. GRCh37 (hg19) VCF-style: chr5-154311706-G-A.
Other names: c.614C>T, p.Pro205Leu (NM_001252156.2); short protein forms P205L.
Identifiers: ClinVar variation 3363557 (VCV003363557.1).